The following is an entry in ClinVar:

ClinVar aggregate classification (germline): Uncertain significance. Review status: criteria provided, multiple submitters, no conflicts (2 of 4 stars). 2 submissions from 2 submitters: Uncertain significance (2). Last evaluated 2025-08-11.

Conditions:
POLD1-related polyposis and colorectal cancer syndrome (CRCS10). Also called: Colorectal cancer 10; COLORECTAL CANCER, SUSCEPTIBILITY TO, ON CHROMOSOME 19q; Colorectal cancer, susceptibility to, 10. Identifiers: Orphanet 220460, MedGen C2675481, MONDO:0012953, OMIM 612591.
Hereditary cancer-predisposing syndrome. Also called: Tumor predisposition; Neoplastic Syndromes, Hereditary; Hereditary Cancer Syndrome; Hereditary neoplastic syndrome. Identifiers: Orphanet 140162, MedGen C0027672, MeSH D009386, MONDO:0015356.

Allele frequency attached by ClinVar (database versions not stated): TOPMed below 0.00001.
gnomAD v4.1: 1 of 1,612,424 alleles (0.000062%); highest among the groups gnomAD compares: Non-Finnish European, 0.000085%; no homozygotes.

Submissions (2):

Labcorp Genetics (formerly Invitae), Labcorp
Classification: Uncertain significance for POLD1-related polyposis and colorectal cancer syndrome. Last evaluated: 2025-08-11. Review status: criteria provided, single submitter. Criteria: Invitae Variant Classification Sherloc (09022015). Collection method: clinical testing. Allele origin: germline.
Comment: This sequence change replaces proline, which is neutral and non-polar, with serine, which is neutral and polar, at codon 857 of the POLD1 protein (p.Pro857Ser). This variant is not present in population databases (gnomAD no frequency). This variant has not been reported in the literature in individuals affected with POLD1-related conditions. ClinVar contains an entry for this variant (Variation ID: 2087765). Invitae Evidence Modeling of protein sequence and biophysical properties (such as structural, functional, and spatial information, amino acid conservation, physicochemical variation, residue mobility, and thermodynamic stability) indicates that this missense variant is not expected to disrupt POLD1 protein function with a negative predictive value of 80%. In summary, the available evidence is currently insufficient to determine the role of this variant in disease. Therefore, it has been classified as a Variant of Uncertain Significance.

Ambry Genetics
Classification: Uncertain significance for Hereditary cancer-predisposing syndrome. Last evaluated: 2024-04-05. Review status: criteria provided, single submitter. Criteria: Ambry Variant Classification Scheme 2023. Collection method: clinical testing. Allele origin: germline.
Comment: The p.P857S variant (also known as c.2569C>T), located in coding exon 20 of the POLD1 gene, results from a C to T substitution at nucleotide position 2569. The proline at codon 857 is replaced by serine, an amino acid with similar properties. This amino acid position is conserved. In addition, this alteration is predicted to be tolerated by in silico analysis. Based on the available evidence, the clinical significance of this variant remains unclear.

NM_002691.4(POLD1):c.2569C>T (p.Pro857Ser)

Gene: POLD1 (DNA polymerase delta 1, catalytic subunit; plus strand). Cytogenetic location: 19q13.33.
Variant type: single nucleotide variant.
Coding change: c.2569C>T on transcript NM_002691.4 (MANE Select); coding-DNA position 2569, C replaced by T.
Protein change: p.Pro857Ser; replaces proline 857 with serine.
Molecular consequence: missense variant. On other transcripts: non-coding transcript variant (1).
Genome position (GRCh38, 1-based): chr19:50,415,442, C>T. VCF-style: chr19-50415442-C-T. GRCh37 (hg19) VCF-style: chr19-50918699-C-T.
Other names: c.2569C>T (NM_002691.2); c.2569C>T, p.Pro857Ser (NM_001256849.1); c.2647C>T, p.Pro883Ser (NM_001308632.1); short protein forms P883S, P857S.
Identifiers: ClinVar variation 2087765 (VCV002087765.5), dbSNP rs2039243329, ClinGen allele CA406985281.